The following is an entry in ClinVar:

NM_000264.5(PTCH1):c.2561-1G>A

Gene: PTCH1 (patched 1; minus strand). Cytogenetic location: 9q22.32.
Variant type: single nucleotide variant.
Coding change: c.2561-1G>A on transcript NM_000264.5 (MANE Select); the canonical splice acceptor site of the intron before coding-DNA position 2561, G replaced by A.
Molecular consequence: splice acceptor variant.
Genome position (GRCh38, 1-based): chr9:95,461,999, C>T on the plus strand (G>A on the coding strand, the complement: PTCH1 is on the minus strand). VCF-style: chr9-95461999-C-T. GRCh37 (hg19) VCF-style: chr9-98224281-C-T.
Other names: c.2558-1G>A (NM_001083603.3); c.2363-1G>A (NM_001083602.3); c.2405-1G>A (NM_001354918.2); c.2108-1G>A (NM_001083605.3, NM_001083604.3, NM_001083606.3 and 1 more transcripts).
Identifiers: ClinVar variation 429958 (VCV000429958.9), dbSNP rs1131691700, ClinGen allele CA374113600.
Genomic context (GRCh38, chr9:95,461,999, plus strand): 5'-TGTAATTGTTTGGCATGATTTTCCCGGTTTCCCAGTCACTGTCAAATGCATCCTGAAGTC[C>T]TAGAAATGGCAAATGATTGTAACACATTATAACTCGCAGCCAGAAGGACCCTGGTCCTAG-3'

ClinVar aggregate classification (germline): Pathogenic. Review status: criteria provided, multiple submitters, no conflicts (2 of 4 stars). 2 submissions from 2 submitters: Pathogenic (2). Last evaluated 2023-01-09.

Conditions:
Gorlin syndrome. Also called: Nevoid Basal Cell Carcinoma Syndrome; Basal cell nevus syndrome. Identifiers: Orphanet 377, MedGen C0004779, MONDO:0007187.

Submissions (3):

Labcorp Genetics (formerly Invitae), Labcorp
Classification: Pathogenic for Gorlin syndrome. Last evaluated: 2023-01-09. Review status: criteria provided, single submitter. Criteria: Invitae Variant Classification Sherloc (09022015). Collection method: clinical testing. Allele origin: germline.
Comment: For these reasons, this variant has been classified as Pathogenic. Algorithms developed to predict the effect of sequence changes on RNA splicing suggest that this variant may disrupt the consensus splice site. ClinVar contains an entry for this variant (Variation ID: 429958). Disruption of this splice site has been observed in individuals with basal cell nevus syndrome (Invitae). This variant is not present in population databases (gnomAD no frequency). This sequence change affects an acceptor splice site in intron 15 of the PTCH1 gene. It is expected to disrupt RNA splicing. Variants that disrupt the donor or acceptor splice site typically lead to a loss of protein function (PMID: 16199547), and loss-of-function variants in PTCH1 are known to be pathogenic (PMID: 16301862, 16419085).

GeneDx
Classification: Pathogenic. Last evaluated: 2017-04-27. Review status: criteria provided, single submitter. Criteria: GeneDx Variant Classification (06012015). Collection method: clinical testing. Allele origin: germline. Affected: yes.
Comment: The c.2561-1 G>A splice site variant in the PTCH1 gene destroys the canonical splice acceptor site in intron 15. It is predicted to cause abnormal gene splicing, either leading to an abnormal message that is subject to nonsense-mediated mRNA decay, or to an abnormal protein product if the message is used for protein translation. The c.2561-1 G>A variant is not observed in large population cohorts (Lek et al., 2016; 1000 Genomes Consortium et al., 2015; Exome Variant Server).

MutSpliceDB: a database of splice sites variants effects on splicing, NIH
No classification provided (evidence only). Review status: no classification provided. Collection method: in vitro. Allele origin: not applicable. Functional consequence: retained intron. Not counted in ClinVar's aggregate classification.

Literature cited by the submitters: PubMed 16199547 (cited by Labcorp Genetics (formerly Invitae), Labcorp); PubMed 16301862 (cited by Labcorp Genetics (formerly Invitae), Labcorp); PubMed 16419085 (cited by Labcorp Genetics (formerly Invitae), Labcorp).